The following is an entry in ClinVar:

ClinVar aggregate classification (germline): Likely pathogenic (1 of 4 stars; one submission).

Conditions:
Autosomal recessive juvenile Parkinson disease 2. Also called: PARKINSON DISEASE, JUVENILE, AUTOSOMAL RECESSIVE; PRKN-Related Early-Onset Parkinson Disease; Parkinson disease, juvenile, type 2; Parkinson disease autosomal recessive, early onset; Juvenile parkinsonism; Parkinsonism, early onset, with diurnal fluctuation. Identifiers: Orphanet 2828, MedGen C1868675, MONDO:0010820, OMIM 600116.

Submission:

Foundation for Research in Genetics and Endocrinology, FRIGE's Institute of Human Genetics
Classification: Likely pathogenic for Autosomal recessive juvenile Parkinson disease 2. Last evaluated: 2019-11-22. Review status: criteria provided, single submitter. Criteria: ACMG Guidelines, 2015. Collection method: clinical testing. Allele origin: germline. Inheritance: Autosomal recessive inheritance. Affected: yes. Observed: 1 heterozygote.
Comment: A Heterozygous missense variation in exon 12 of the PARK2 gene that results in the amino acid substitution of Threonine for Methionine at codon 434 was detected. The observed variant c.1301T>C (p.Met434Thr) has not been reported in the 1000 Genomes and ExAC databases. The in silico prediction of the variant are possibly damaging by PolyPhen-2 (HumDiv) and damaging by SIFT, LRT and MutationTaster2. The reference codon is conserved across species. In summary, the variant meets our criteria to be classified as likely pathogenic.

NM_004562.3(PRKN):c.1301T>C (p.Met434Thr)

Gene: PRKN (parkin RBR E3 ubiquitin protein ligase; minus strand). Cytogenetic location: 6q26.
Variant type: single nucleotide variant.
Coding change: c.1301T>C on transcript NM_004562.3 (MANE Select); coding-DNA position 1301, T replaced by C.
Protein change: p.Met434Thr; replaces methionine 434 with threonine.
Molecular consequence: missense variant.
Genome position (GRCh38, 1-based): chr6:161,350,196, A>G on the plus strand (T>C on the coding strand, the complement: PRKN is on the minus strand). VCF-style: chr6-161350196-A-G. GRCh37 (hg19) VCF-style: chr6-161771228-A-G.
Other names: c.1217T>C, p.Met406Thr (NM_013987.3); c.854T>C, p.Met285Thr (NM_013988.3); short protein forms M285T, M406T, M434T.
Identifiers: ClinVar variation 810783 (VCV000810783.3), dbSNP rs1582953433, ClinGen allele CA366456342.
Genomic context (GRCh38, chr6:161,350,196, plus strand): 5'-TTCCACTCGCAGCCACAGTTCCAGCACCACTCGAGCCTGCACTGGGGCTGCGGACACTTC[A>G]TGTGCATGCAGCCTCCTGTTGGGGGCAGAAAACAAAGGTGTGGTGGGTTCGCAGCAAGTA-3'
Protein context (NP_004553.2, residues 424-444): PVEKNGGCMH[Met434Thr]KCPQPQCRLE